The following is an entry in ClinVar:

ClinVar aggregate classification (germline): Uncertain significance. Review status: criteria provided, multiple submitters, no conflicts (2 of 4 stars). 2 submissions from 2 submitters: Uncertain significance (2). Last evaluated 2024-11-13.

Conditions:
Inborn genetic diseases. Identifiers: MedGen C0950123, MeSH D030342.
Joubert syndrome 15 (JBTS15). Identifiers: Orphanet 475, MedGen C3280897, MONDO:0013763, OMIM 614464.

Allele frequency attached by ClinVar (database versions not stated): gnomAD 0.00002; TOPMed 0.00002.
gnomAD v4.1: 8 of 1,609,882 alleles (0.0005%); highest among the groups gnomAD compares: African/African-American, 0.0067%; no homozygotes.

Submissions (2):

Ambry Genetics
Classification: Uncertain significance for Inborn genetic diseases. Last evaluated: 2024-11-13. Review status: criteria provided, single submitter. Criteria: Ambry Variant Classification Scheme 2023. Collection method: clinical testing. Allele origin: germline.

Labcorp Genetics (formerly Invitae), Labcorp
Classification: Uncertain significance for Joubert syndrome 15. Last evaluated: 2022-09-19. Review status: criteria provided, single submitter. Criteria: Invitae Variant Classification Sherloc (09022015). Collection method: clinical testing. Allele origin: germline.
Comment: In summary, the available evidence is currently insufficient to determine the role of this variant in disease. Therefore, it has been classified as a Variant of Uncertain Significance. Advanced modeling of protein sequence and biophysical properties (such as structural, functional, and spatial information, amino acid conservation, physicochemical variation, residue mobility, and thermodynamic stability) performed at Invitae indicates that this missense variant is not expected to disrupt CEP41 protein function. ClinVar contains an entry for this variant (Variation ID: 1464152). This variant has not been reported in the literature in individuals affected with CEP41-related conditions. This variant is present in population databases (rs782265732, gnomAD 0.01%). This sequence change replaces isoleucine, which is neutral and non-polar, with phenylalanine, which is neutral and non-polar, at codon 197 of the CEP41 protein (p.Ile197Phe).

NM_018718.3(CEP41):c.589A>T (p.Ile197Phe)

Gene: CEP41 (centrosomal protein 41; minus strand). Cytogenetic location: 7q32.2.
Variant type: single nucleotide variant.
Coding change: c.589A>T on transcript NM_018718.3 (MANE Select); coding-DNA position 589, A replaced by T.
Protein change: p.Ile197Phe; replaces isoleucine 197 with phenylalanine.
Molecular consequence: missense variant. On other transcripts: non-coding transcript variant (1).
Genome position (GRCh38, 1-based): chr7:130,401,934, T>A on the plus strand (A>T on the coding strand, the complement: CEP41 is on the minus strand). VCF-style: chr7-130401934-T-A. GRCh37 (hg19) VCF-style: chr7-130041775-T-A.
Other names: c.589A>T, p.Ile197Phe (NM_001257158.2); c.541A>T, p.Ile181Phe (NM_001257159.2); c.589A>T (NM_018718.1); short protein forms I181F, I197F.
Identifiers: ClinVar variation 1464152 (VCV001464152.5), dbSNP rs782265732, ClinGen allele CA4485527.